The following is an entry in ClinVar:

NM_024642.5(GALNT12):c.1722G>A (p.Trp574Ter)

Gene: GALNT12 (polypeptide N-acetylgalactosaminyltransferase 12; plus strand). Cytogenetic location: 9q22.33.
Variant type: single nucleotide variant.
Coding change: c.1722G>A on transcript NM_024642.5 (MANE Select); coding-DNA position 1722, G replaced by A.
Protein change: p.Trp574Ter; replaces tryptophan 574 with a stop codon.
Molecular consequence: nonsense.
Genome position (GRCh38, 1-based): chr9:98,849,068, G>A. VCF-style: chr9-98849068-G-A. GRCh37 (hg19) VCF-style: chr9-101611350-G-A.
Other names: short protein forms W574*.
Identifiers: ClinVar variation 819936 (VCV000819936.7), dbSNP rs146530383, ClinGen allele CA5154355.
Genomic context (GRCh38, chr9:98,849,068, plus strand): 5'-GTCGAGTGACAGTTTCGTTCCACTCTTACGAGACTGCACCAACTCGGATCATCAGAAATG[G>A]TTCTTCAAAGAGCGCATGTTATGAAGCCTCGTGTATCAAGGAGCCCATCGAAGGAGACTG-3'

ClinVar aggregate classification (germline): Uncertain significance. Review status: criteria provided, multiple submitters, no conflicts (2 of 4 stars). 3 submissions from 3 submitters: Uncertain significance (3). Last evaluated 2026-08-25.

Conditions:
Colorectal cancer, susceptibility to, 1. Also called: COLORECTAL ADENOMA AND CANCER, SUSCEPTIBILITY TO; COLORECTAL CANCER, SUSCEPTIBILITY TO, ON CHROMOSOME 9. Identifiers: MedGen C1837315, MONDO:0012132, OMIM 608812.

Allele frequency attached by ClinVar (database versions not stated): gnomAD 0.00001; TOPMed 0.00002; gnomAD exomes 0.00004 and 0.00005; ExAC 0.00005; ESP Exome Variant Server 0.00008.
gnomAD v4.1: 72 of 1,614,056 alleles (0.0045%); highest among the groups gnomAD compares: Non-Finnish European, 0.0058%; no homozygotes.

Submissions (3):

Ambry Genetics
Classification: Uncertain significance. Last evaluated: 2026-08-25. Review status: criteria provided, single submitter. Criteria: Ambry Variant Classification Scheme 2023. Collection method: clinical testing. Allele origin: germline.
Comment: The p.W574* variant (also known as c.1722G>A), located in coding exon 10 of the GALNT12 gene, results from a G to A substitution at nucleotide position 1722. This changes the amino acid from a tryptophan to a stop codon within coding exon 10. This variant occurs at the 3' terminus of the gene and is not expected to trigger nonsense-mediated mRNA decay. The evidence for this gene-disease relationship is limited; therefore, the clinical significance of this variant is unclear.

Labcorp Genetics (formerly Invitae), Labcorp
Classification: Uncertain significance. Last evaluated: 2025-10-15. Review status: criteria provided, single submitter. Criteria: Invitae Variant Classification Sherloc (09022015). Collection method: clinical testing. Allele origin: germline.
Comment: This sequence change creates a premature translational stop signal (p.Trp574*) in the GALNT12 gene. While this is not anticipated to result in nonsense mediated decay, it is expected to disrupt the last 8 amino acid(s) of the GALNT12 protein. This variant is present in population databases (rs146530383, gnomAD 0.007%). This variant has not been reported in the literature in individuals affected with GALNT12-related conditions. ClinVar contains an entry for this variant (Variation ID: 819936). In summary, the available evidence is currently insufficient to determine the role of this variant in disease. Therefore, it has been classified as a Variant of Uncertain Significance.

Baylor Genetics
Classification: Uncertain significance for Colorectal cancer, susceptibility to, 1. Last evaluated: 2023-11-02. Review status: criteria provided, single submitter. Criteria: ACMG Guidelines, 2015. Collection method: clinical testing. Allele origin: unknown.